The following is an entry in ClinVar:

NM_001134363.3(RBM20):c.2113G>A (p.Asp705Asn)

Gene: RBM20 (RNA binding motif protein 20; plus strand). Cytogenetic location: 10q25.2.
Variant type: single nucleotide variant.
Coding change: c.2113G>A on transcript NM_001134363.3 (MANE Select); coding-DNA position 2113, G replaced by A.
Protein change: p.Asp705Asn; replaces aspartic acid 705 with asparagine.
Molecular consequence: missense variant.
Genome position (GRCh38, 1-based): chr10:110,812,510, G>A. VCF-style: chr10-110812510-G-A. GRCh37 (hg19) VCF-style: chr10-112572268-G-A.
Other names: c.2113G>A (NM_001134363.1); short protein forms D705N.
Identifiers: ClinVar variation 1349161 (VCV001349161.7), dbSNP rs995493100, ClinGen allele CA213223789.

ClinVar aggregate classification (germline): Conflicting classifications of pathogenicity. Review status: criteria provided, conflicting classifications (1 of 4 stars). 2 submissions from 2 submitters: Uncertain significance (1); Likely benign (1). Last evaluated 2024-12-05.

Conditions:
Cardiovascular phenotype. Identifiers: MedGen CN230736.
Dilated cardiomyopathy 1DD (CMD1DD). Identifiers: Orphanet 154, MedGen C2750995, MONDO:0013168, OMIM 613172.

Allele frequency attached by ClinVar (database versions not stated): gnomAD exomes below 0.00001; TOPMed below 0.00001.
gnomAD v4.1: 5 of 1,551,710 alleles (0.00032%); highest among the groups gnomAD compares: Admixed American, 0.0039%; no homozygotes.

Submissions (2):

Labcorp Genetics (formerly Invitae), Labcorp
Classification: Uncertain significance for Dilated cardiomyopathy 1DD. Last evaluated: 2024-12-05. Review status: criteria provided, single submitter. Criteria: Invitae Variant Classification Sherloc (09022015). Collection method: clinical testing. Allele origin: germline.
Comment: This sequence change replaces aspartic acid, which is acidic and polar, with asparagine, which is neutral and polar, at codon 705 of the RBM20 protein (p.Asp705Asn). This variant is not present in population databases (gnomAD no frequency). This variant has not been reported in the literature in individuals affected with RBM20-related conditions. ClinVar contains an entry for this variant (Variation ID: 1349161). Invitae Evidence Modeling of protein sequence and biophysical properties (such as structural, functional, and spatial information, amino acid conservation, physicochemical variation, residue mobility, and thermodynamic stability) indicates that this missense variant is not expected to disrupt RBM20 protein function with a negative predictive value of 95%. In summary, the available evidence is currently insufficient to determine the role of this variant in disease. Therefore, it has been classified as a Variant of Uncertain Significance.

Ambry Genetics
Classification: Likely benign for Cardiovascular phenotype. Last evaluated: 2024-04-01. Review status: criteria provided, single submitter. Criteria: Ambry Variant Classification Scheme 2023. Collection method: clinical testing. Allele origin: germline.